The following is an entry in ClinVar:

ClinVar aggregate classification (germline): Pathogenic (1 of 4 stars; one submission).

Conditions:
Cystic renal disease.

Submission:

Genetics Laboratory, Great Ormond Street Hospital NHS Foundation Trust, North Thames Genomic Laboratory Hub
Classification: Pathogenic for Cystic renal disease. Last evaluated: 2026-02-19. Review status: criteria provided, single submitter. Criteria: ACGS Best Practice Guidelines for Variant Classification in Rare Disease 2024 v1.2. Collection method: clinical testing. Allele origin: germline. Affected: yes.
Comment: PM2_moderate, PVS1_very-strong, PP4_supporting

NM_000297.4(PKD2):c.1281dup (p.Val428fs)

Gene: PKD2 (polycystin 2, transient receptor potential cation channel; plus strand). Cytogenetic location: 4q22.1.
Variant type: Duplication.
Coding change: c.1281dup on transcript NM_000297.4 (MANE Select); coding-DNA position 1281, one base duplicated (A; older notation c.1281dupA).
Protein change: p.Val428fs; shifts the reading frame from valine 428.
Molecular consequence: frameshift variant. On other transcripts: non-coding transcript variant (1), intron variant (1).
Genome position (GRCh38, 1-based): chr4:88,043,419, A duplicated. VCF-style (leftmost placement, unchanged base first): chr4-88043418-C-CA. GRCh37 (hg19) VCF-style: chr4-88964570-C-CA.
Other names: c.1095-3223dup (NM_001440544.1); short protein forms V428fs.
Identifiers: ClinVar variation 4820300 (VCV004820300.1).